The following is an entry in ClinVar:

ClinVar aggregate classification (germline): Uncertain significance (1 of 4 stars; one submission).

Conditions:
Mitochondrial complex II deficiency, nuclear type 1. Also called: SUCCINATE CoQ REDUCTASE DEFICIENCY. Identifiers: Orphanet 3208, MedGen C5700310, MONDO:0100294, OMIM 252011.
Pheochromocytoma/paraganglioma syndrome 5. Also called: Paragangliomas 5; SDHA-Related Hereditary Paraganglioma-Pheochromocytoma Syndrome. Identifiers: Orphanet 29072, MedGen C3279992, MONDO:0013602, OMIM 614165.

Submission:

Labcorp Genetics (formerly Invitae), Labcorp
Classification: Uncertain significance for Pheochromocytoma/paraganglioma syndrome 5; Mitochondrial complex II deficiency, nuclear type 1. Last evaluated: 2025-02-18. Review status: criteria provided, single submitter. Criteria: Invitae Variant Classification Sherloc (09022015). Collection method: clinical testing. Allele origin: germline.
Comment: This sequence change replaces glutamine, which is neutral and polar, with arginine, which is basic and polar, at codon 104 of the SDHA protein (p.Gln104Arg). This variant is not present in population databases (gnomAD no frequency). This variant has not been reported in the literature in individuals affected with SDHA-related conditions. An algorithm developed to predict the effect of missense changes on protein structure and function (PolyPhen-2) suggests that this variant is likely to be disruptive. In summary, the available evidence is currently insufficient to determine the role of this variant in disease. Therefore, it has been classified as a Variant of Uncertain Significance.

NM_004168.4(SDHA):c.311A>G (p.Gln104Arg)

Gene: SDHA (succinate dehydrogenase complex flavoprotein subunit A; plus strand). Cytogenetic location: 5p15.33.
Variant type: single nucleotide variant.
Coding change: c.311A>G on transcript NM_004168.4 (MANE Select); coding-DNA position 311, A replaced by G.
Protein change: p.Gln104Arg; replaces glutamine 104 with arginine.
Molecular consequence: missense variant.
Genome position (GRCh38, 1-based): chr5:224,520, A>G. VCF-style: chr5-224520-A-G. GRCh37 (hg19) VCF-style: chr5-224635-A-G.
Other names: c.311A>G, p.Gln104Arg (NM_001294332.2, NM_001330758.2); short protein forms Q104R.
Identifiers: ClinVar variation 4784169 (VCV004784169.1).